The following is an entry in ClinVar:

ClinVar aggregate classification (germline): Uncertain significance. Review status: criteria provided, multiple submitters, no conflicts (2 of 4 stars). 3 submissions from 3 submitters: Uncertain significance (3). Last evaluated 2024-04-01.

Conditions:
Developmental and epileptic encephalopathy, 14 (DEE14). Also called: Early infantile epileptic encephalopathy 14. Identifiers: Orphanet 293181, MedGen C3554195, MONDO:0013989, OMIM 614959.
Autosomal dominant nocturnal frontal lobe epilepsy 5. Also called: Epilepsy, nocturnal frontal lobe, 5; CILIARY DYSKINESIA, PRIMARY, 28, WITHOUT SITUS INVERSUS; CILIARY DYSKINESIA, PRIMARY, 28, WITH SITUS INVERSUS; KCNT1-Related Epilepsy. Identifiers: Orphanet 98784, MedGen C3554306, MONDO:0014002, OMIM 615005.

Allele frequency attached by ClinVar (database versions not stated): ExAC 0.00001; gnomAD 0.00001; gnomAD exomes 0.00001; TOPMed 0.00001.
gnomAD v4.1: 12 of 1,611,272 alleles (0.00074%); highest among the groups gnomAD compares: South Asian, 0.0011%; no homozygotes.

Submissions (3):

CeGaT Center for Human Genetics Tuebingen
Classification: Uncertain significance. Last evaluated: 2024-04-01. Review status: criteria provided, single submitter. Criteria: CeGaT Center For Human Genetics Tuebingen Variant Classification Criteria Version 2. Collection method: clinical testing. Allele origin: germline. Affected: yes. Observed: 1 variant allele.
Comment: KCNT1: PP3, BP1

GeneDx
Classification: Uncertain significance. Last evaluated: 2023-08-23. Review status: criteria provided, single submitter. Criteria: GeneDx Variant Classification Process June 2021. Collection method: clinical testing. Allele origin: germline. Affected: yes.
Comment: Has not been previously published as pathogenic or benign to our knowledge; Canonical splice site variant in a gene for which loss-of-function is not a known mechanism of disease

Labcorp Genetics (formerly Invitae), Labcorp
Classification: Uncertain significance for Autosomal dominant nocturnal frontal lobe epilepsy 5; Developmental and epileptic encephalopathy, 14. Last evaluated: 2023-03-27. Review status: criteria provided, single submitter. Criteria: Invitae Variant Classification Sherloc (09022015). Collection method: clinical testing. Allele origin: germline.
Comment: In summary, the available evidence is currently insufficient to determine the role of this variant in disease. Therefore, it has been classified as a Variant of Uncertain Significance. Algorithms developed to predict the effect of sequence changes on RNA splicing suggest that this variant may disrupt the consensus splice site. ClinVar contains an entry for this variant (Variation ID: 834155). This variant has not been reported in the literature in individuals affected with KCNT1-related conditions. This variant is present in population databases (rs756311140, gnomAD 0.002%). This sequence change affects a donor splice site in intron 26 of the KCNT1 gene. It is expected to disrupt RNA splicing. Variants that disrupt the donor or acceptor splice site typically lead to a loss of protein function (PMID: 16199547), however the current clinical and genetic evidence is not sufficient to establish whether loss-of-function variants in KCNT1 cause disease.

Literature cited by the submitters: PubMed 16199547 (cited by Labcorp Genetics (formerly Invitae), Labcorp).

NM_020822.3(KCNT1):c.3027+1G>A

Gene: KCNT1 (potassium sodium-activated channel subfamily T member 1; plus strand). Cytogenetic location: 9q34.3.
Variant type: single nucleotide variant.
Coding change: c.3027+1G>A on transcript NM_020822.3 (MANE Select); the canonical splice donor site of the intron after coding-DNA position 3027, G replaced by A.
Molecular consequence: splice donor variant.
Genome position (GRCh38, 1-based): chr9:135,784,619, G>A. VCF-style: chr9-135784619-G-A. GRCh37 (hg19) VCF-style: chr9-138676465-G-A.
Other names: c.2892+1G>A (NM_001272003.2).
Identifiers: ClinVar variation 834155 (VCV000834155.26), dbSNP rs756311140, ClinGen allele CA5327566.